The following is an entry in ClinVar:

ClinVar aggregate classification (germline): Uncertain significance. Review status: criteria provided, multiple submitters, no conflicts (2 of 4 stars). 2 submissions from 2 submitters: Uncertain significance (2). Last evaluated 2023-09-21.

Allele frequency attached by ClinVar (database versions not stated): gnomAD 0.00014 and 0.00016; 1000 Genomes Project 30x 0.00016; TOPMed 0.00019; 1000 Genomes Project 0.00020; gnomAD exomes 0.00022 and 0.00032; ExAC 0.00024; ESP Exome Variant Server 0.00038.
gnomAD v4.1: 482 of 1,611,746 alleles (0.03%); highest among the groups gnomAD compares: Non-Finnish European, 0.039%; no homozygotes.

Submissions (2):

GeneDx
Classification: Uncertain significance. Last evaluated: 2023-09-21. Review status: criteria provided, single submitter. Criteria: GeneDx Variant Classification Process June 2021. Collection method: clinical testing. Allele origin: germline. Affected: yes.
Comment: In silico analysis supports that this missense variant has a deleterious effect on protein structure/function; This variant is associated with the following publications: (PMID: 28195393)

Labcorp Genetics (formerly Invitae), Labcorp
Classification: Uncertain significance. Last evaluated: 2022-06-13. Review status: criteria provided, single submitter. Criteria: Invitae Variant Classification Sherloc (09022015). Collection method: clinical testing. Allele origin: germline.
Comment: This sequence change replaces glycine, which is neutral and non-polar, with valine, which is neutral and non-polar, at codon 169 of the MRPL3 protein (p.Gly169Val). In summary, the available evidence is currently insufficient to determine the role of this variant in disease. Therefore, it has been classified as a Variant of Uncertain Significance. Algorithms developed to predict the effect of missense changes on protein structure and function are either unavailable or do not agree on the potential impact of this missense change (SIFT: "Tolerated"; PolyPhen-2: "Probably Damaging"; Align-GVGD: "Class C0"). This variant has not been reported in the literature in individuals affected with MRPL3-related conditions. This variant is present in population databases (rs369657581, gnomAD 0.04%).

NM_007208.4(MRPL3):c.506G>T (p.Gly169Val)

Gene: MRPL3 (mitochondrial ribosomal protein L3; minus strand). Cytogenetic location: 3q22.1.
Variant type: single nucleotide variant.
Coding change: c.506G>T on transcript NM_007208.4 (MANE Select); coding-DNA position 506, G replaced by T.
Protein change: p.Gly169Val; replaces glycine 169 with valine.
Molecular consequence: missense variant.
Genome position (GRCh38, 1-based): chr3:131,490,043, C>A on the plus strand (G>T on the coding strand, the complement: MRPL3 is on the minus strand). VCF-style: chr3-131490043-C-A. GRCh37 (hg19) VCF-style: chr3-131208887-C-A.
Other names: c.506G>T (NM_007208.3); short protein forms G169V.
Identifiers: ClinVar variation 1488565 (VCV001488565.5), dbSNP rs369657581, ClinGen allele CA2617085.